The following is an entry in ClinVar:

ClinVar aggregate classification (germline): Pathogenic (1 of 4 stars; one submission).

Conditions:
Global developmental delay (DD). Also called: Cognitive delay. Identifiers: MedGen C0557874, HP:0001263. Disease mechanism: loss of function.

Submission:

Kasturba Medical College, Manipal, Kasturba Medical College, Manipal, Manipal Academy of Higher Education, Manipal, India
Classification: Pathogenic for Global developmental delay. Review status: criteria provided, single submitter. Criteria: ACMG Guidelines, 2015. Collection method: research. Allele origin: paternal. Inheritance: Autosomal dominant inheritance. Affected: yes. Observed: 1 heterozygote.
Comment: The variant c.74del is absent in the gnomAD (v4.1.0) population database and in our in-house data of 3355 exomes.

NM_003542.4(H4C3):c.74del (p.Asp25fs)

Gene: H4C3 (H4 clustered histone 3; plus strand). Cytogenetic location: 6p22.2.
Variant type: Deletion.
Coding change: c.74del on transcript NM_003542.4 (MANE Select); coding-DNA position 74, one base deleted (A; older notation c.74delA).
Protein change: p.Asp25fs; shifts the reading frame from aspartic acid 25.
Molecular consequence: frameshift variant.
Genome position (GRCh38, 1-based): chr6:26,104,021, A deleted. VCF-style (leftmost placement, unchanged base first): chr6-26104020-GA-G. GRCh37 (hg19) VCF-style: chr6-26104248-GA-G.
Other names: c.74delA (NM_003542.4); short protein forms D25fs.
Identifiers: ClinVar variation 3572931 (VCV003572931.2).